The following is an entry in ClinVar:

NM_001099271.2(POC5):c.814G>T (p.Ala272Ser)

Gene: POC5 (POC5 centriolar protein; minus strand). Cytogenetic location: 5q13.3.
Variant type: single nucleotide variant.
Coding change: c.814G>T on transcript NM_001099271.2 (MANE Select); coding-DNA position 814, G replaced by T.
Protein change: p.Ala272Ser; replaces alanine 272 with serine.
Molecular consequence: missense variant.
Genome position (GRCh38, 1-based): chr5:75,690,544, C>A on the plus strand (G>T on the coding strand, the complement: POC5 is on the minus strand). VCF-style: chr5-75690544-C-A. GRCh37 (hg19) VCF-style: chr5-74986369-C-A.
Other names: c.739G>T, p.Ala247Ser (NM_152408.3); short protein forms A272S, A247S.
Identifiers: ClinVar variation 1910908 (VCV001910908.5), dbSNP rs760493221, ClinGen allele CA3310467.
Genomic context (GRCh38, chr5:75,690,544, plus strand): 5'-CTACGGAACGCCAGACTTTCCAGACTTTCTTCAGTAAAGTTCTCTGGTAGTACTGGTCAG[C>A]TAGTTTACCTTCATAAACCTAAATAAAAGTAAAATATAACTTCAAAAACACAGTTGATTG-3'
Protein context (NP_001092741.1, residues 262-282): ARQDVYEGKL[Ala272Ser]DQYYQRTLLK

ClinVar aggregate classification (germline): Uncertain significance (1 of 4 stars; one submission).

Allele frequency attached by ClinVar (database versions not stated): ExAC 0.00002; gnomAD 0.00002; gnomAD exomes 0.00003; TOPMed 0.00003.
gnomAD v4.1: 48 of 1,581,194 alleles (0.003%); highest among the groups gnomAD compares: Non-Finnish European, 0.0038%; no homozygotes.

Submission:

Labcorp Genetics (formerly Invitae), Labcorp
Classification: Uncertain significance. Last evaluated: 2025-08-12. Review status: criteria provided, single submitter. Criteria: Invitae Variant Classification Sherloc (09022015). Collection method: clinical testing. Allele origin: germline.
Comment: This sequence change replaces alanine, which is neutral and non-polar, with serine, which is neutral and polar, at codon 272 of the POC5 protein (p.Ala272Ser). The frequency data for this variant in the population databases is considered unreliable, as metrics indicate poor data quality at this position in the gnomAD database. This variant has not been reported in the literature in individuals affected with POC5-related conditions. ClinVar contains an entry for this variant (Variation ID: 1910908). An algorithm developed to predict the effect of missense changes on protein structure and function (PolyPhen-2) suggests that this variant is likely to be disruptive. In summary, the available evidence is currently insufficient to determine the role of this variant in disease. Therefore, it has been classified as a Variant of Uncertain Significance.